The following is an entry in ClinVar:

ClinVar aggregate classification (germline): Uncertain significance (1 of 4 stars; one submission).

Conditions:
MHC class II deficiency. Also called: BLS, TYPE II; Bare lymphocyte syndrome 2. Identifiers: Orphanet 572, MedGen C5447452, MONDO:0008855.

gnomAD v4.1: 1 of 1,612,782 alleles (0.000062%); highest among the groups gnomAD compares: Admixed American, 0.0017%; no homozygotes.

Submission:

Labcorp Genetics (formerly Invitae), Labcorp
Classification: Uncertain significance for MHC class II deficiency. Last evaluated: 2021-08-24. Review status: criteria provided, single submitter. Criteria: Invitae Variant Classification Sherloc (09022015). Collection method: clinical testing. Allele origin: germline.
Comment: This sequence change replaces glutamic acid with glutamine at codon 352 of the CIITA protein (p.Glu352Gln). The glutamic acid residue is weakly conserved and there is a small physicochemical difference between glutamic acid and glutamine. This variant is not present in population databases (ExAC no frequency). This variant has not been reported in the literature in individuals affected with CIITA-related conditions. Algorithms developed to predict the effect of missense changes on protein structure and function output the following: SIFT: "Tolerated"; PolyPhen-2: "Benign"; Align-GVGD: "Class C0". The glutamine amino acid residue is found in multiple mammalian species, which suggests that this missense change does not adversely affect protein function. In summary, the available evidence is currently insufficient to determine the role of this variant in disease. Therefore, it has been classified as a Variant of Uncertain Significance.

NM_000246.4(CIITA):c.1054G>C (p.Glu352Gln)

Gene: CIITA (class II major histocompatibility complex transactivator; plus strand). Cytogenetic location: 16p13.13.
Variant type: single nucleotide variant.
Coding change: c.1054G>C on transcript NM_000246.4 (MANE Select); coding-DNA position 1054, G replaced by C.
Protein change: p.Glu352Gln; replaces glutamic acid 352 with glutamine.
Molecular consequence: missense variant. On other transcripts: intron variant (1).
Genome position (GRCh38, 1-based): chr16:10,906,546, G>C. VCF-style: chr16-10906546-G-C. GRCh37 (hg19) VCF-style: chr16-11000403-G-C.
Other names: c.1057G>C, p.Glu353Gln (NM_001286402.1, NM_001379332.1); c.910G>C, p.Glu304Gln (NM_001379330.1); c.907G>C, p.Glu303Gln (NM_001379331.1); c.1054G>C, p.Glu352Gln (NM_001379333.1); c.985G>C, p.Glu329Gln (NM_001379334.1); c.859+1734G>C (NM_001286403.2); short protein forms E329Q, E353Q, E303Q, E352Q, E304Q.
Identifiers: ClinVar variation 1418962 (VCV001418962.5), dbSNP rs752576726, ClinGen allele CA277744715.